The following is an entry in ClinVar:

ClinVar aggregate classification (germline): Uncertain significance (1 of 4 stars; one submission).

gnomAD v4.1: 2 of 1,613,732 alleles (0.00012%); highest among the groups gnomAD compares: Non-Finnish European, 0.00017%; no homozygotes.

Submission:

Labcorp Genetics (formerly Invitae), Labcorp
Classification: Uncertain significance. Last evaluated: 2024-11-02. Review status: criteria provided, single submitter. Criteria: Invitae Variant Classification Sherloc (09022015). Collection method: clinical testing. Allele origin: germline.
Comment: This sequence change replaces cysteine, which is neutral and slightly polar, with serine, which is neutral and polar, at codon 105 of the IL12RB2 protein (p.Cys105Ser). This variant is not present in population databases (gnomAD no frequency). This variant has not been reported in the literature in individuals affected with IL12RB2-related conditions. ClinVar contains an entry for this variant (Variation ID: 2008439). An algorithm developed to predict the effect of missense changes on protein structure and function (PolyPhen-2) suggests that this variant is likely to be disruptive. In summary, the available evidence is currently insufficient to determine the role of this variant in disease. Therefore, it has been classified as a Variant of Uncertain Significance.

NM_001374259.2(IL12RB2):c.314G>C (p.Cys105Ser)

Gene: IL12RB2 (interleukin 12 receptor subunit beta 2; plus strand). Cytogenetic location: 1p31.3.
Variant type: single nucleotide variant.
Coding change: c.314G>C on transcript NM_001374259.2 (MANE Select); coding-DNA position 314, G replaced by C.
Protein change: p.Cys105Ser; replaces cysteine 105 with serine.
Molecular consequence: missense variant. On other transcripts: non-coding transcript variant (2).
Genome position (GRCh38, 1-based): chr1:67,321,839, G>C. VCF-style: chr1-67321839-G-C. GRCh37 (hg19) VCF-style: chr1-67787522-G-C.
Other names: c.314G>C, p.Cys105Ser (NM_001258214.1, NM_001258215.1, NM_001258216.1 and 2 more transcripts); short protein forms C105S.
Identifiers: ClinVar variation 2008439 (VCV002008439.4), dbSNP rs2525838398, ClinGen allele CA340730847.